The following is an entry in ClinVar:

NM_130384.3(ATRIP):c.1169C>T (p.Ala390Val)

Genes: ATRIP (ATR interacting protein; plus strand), ATRIP-TREX1 (ATRIP-TREX1 readthrough; plus strand). Cytogenetic location: 3p21.31.
Variant type: single nucleotide variant.
Coding change: c.1169C>T on transcript NM_130384.3 (MANE Select); coding-DNA position 1169, C replaced by T.
Protein change: p.Ala390Val; replaces alanine 390 with valine.
Molecular consequence: missense variant. On other transcripts: non-coding transcript variant (1).
Genome position (GRCh38, 1-based): chr3:48,460,223, C>T. VCF-style: chr3-48460223-C-T. GRCh37 (hg19) VCF-style: chr3-48501622-C-T.
Other names: c.788C>T, p.Ala263Val (NM_001271022.2); c.890C>T, p.Ala297Val (NM_001271023.2); c.1169C>T, p.Ala390Val (NM_032166.4); short protein forms A390V, A297V, A263V.
Identifiers: ClinVar variation 4644609 (VCV004644609.1).

ClinVar aggregate classification (germline): Uncertain significance (1 of 4 stars; one submission).

Submission:

Ambry Genetics
Classification: Uncertain significance. Last evaluated: 2025-12-10. Review status: criteria provided, single submitter. Criteria: Ambry Variant Classification Scheme 2023. Collection method: clinical testing. Allele origin: germline.
Comment: The p.A390V variant (also known as c.1169C>T), located in coding exon 8 of the ATRIP gene, results from a C to T substitution at nucleotide position 1169. The alanine at codon 390 is replaced by valine, an amino acid with similar properties. This amino acid position is conserved. In addition, this alteration is predicted to be tolerated by in silico analysis. Based on the available evidence, the clinical significance of this variant remains unclear.